The following is an entry in ClinVar:

ClinVar aggregate classification (germline): Uncertain significance. Review status: criteria provided, multiple submitters, no conflicts (2 of 4 stars). 2 submissions from 2 submitters: Uncertain significance (2). Last evaluated 2017-06-01.

Allele frequency attached by ClinVar (database versions not stated): gnomAD 0.00001 and 0.00002; TOPMed 0.00001.
gnomAD v4.1: 15 of 1,613,256 alleles (0.00093%); highest among the groups gnomAD compares: South Asian, 0.0044%; no homozygotes.

Submissions (2):

CeGaT Center for Human Genetics Tuebingen
Classification: Uncertain significance. Last evaluated: 2017-06-01. Review status: criteria provided, single submitter. Criteria: CeGaT Center For Human Genetics Tuebingen Variant Classification Criteria Version 2. Collection method: clinical testing. Allele origin: germline. Affected: yes. Observed: 1 variant allele.

Laboratory for Molecular Medicine, Mass General Brigham Personalized Medicine
Classification: Uncertain significance. Last evaluated: 2012-07-03. Review status: criteria provided, single submitter. Criteria: LMM Criteria. Collection method: clinical testing. Allele origin: germline. Observed: 1 variant allele.
Comment: The Asp17130Tyr variant in TTN has not been reported in the literature nor previ ously identified by our laboratory. In addition, this variant has not been ident ified in large and broad populations by the NHLBI Exome Sequencing Project. Computational analyses (biochemical amino acid pr operties, conservation, AlignGVGD, PolyPhen2, and SIFT) do not provide strong su pport for or against an impact to the protein. Additional information is needed to fully assess the clinical significance of the Asp17130Tyr variant.

NM_001267550.2(TTN):c.59092G>T (p.Asp19698Tyr)

Genes: TTN (titin; minus strand), TTN-AS1 (TTN antisense RNA 1; plus strand). Cytogenetic location: 2q31.2.
Variant type: single nucleotide variant.
Coding change: c.59092G>T on transcript NM_001267550.2 (MANE Select); coding-DNA position 59092, G replaced by T.
Protein change: p.Asp19698Tyr; replaces aspartic acid 19698 with tyrosine.
Molecular consequence: missense variant.
Genome position (GRCh38, 1-based): chr2:178,593,027, C>A on the plus strand (G>T on the coding strand, the complement: TTN is on the minus strand). VCF-style: chr2-178593027-C-A. GRCh37 (hg19) VCF-style: chr2-179457754-C-A.
Other names: c.51388G>T, p.Asp17130Tyr (NM_133378.4); c.54169G>T, p.Asp18057Tyr (NM_001256850.1); c.31897G>T, p.Asp10633Tyr (NM_003319.4); c.32272G>T, p.Asp10758Tyr (NM_133432.3); c.32473G>T, p.Asp10825Tyr (NM_133437.4); short protein forms D19698Y, D17130Y, D18057Y, D10633Y, D10825Y, D10758Y.
Identifiers: ClinVar variation 47145 (VCV000047145.47), dbSNP rs397517642, ClinGen allele CA140125.